The following is an entry in ClinVar:

ClinVar aggregate classification (germline): Conflicting classifications of pathogenicity. Review status: criteria provided, conflicting classifications (1 of 4 stars). 3 submissions from 3 submitters: Uncertain significance (2); Likely benign (1). Last evaluated 2026-04-09.

Conditions:
Hereditary cancer-predisposing syndrome. Also called: Hereditary Cancer Syndrome; Neoplastic Syndromes, Hereditary; Tumor predisposition; Hereditary neoplastic syndrome. Identifiers: Orphanet 140162, MedGen C0027672, MeSH D009386, MONDO:0015356.
BAP1-related tumor predisposition syndrome (TPDS1). Also called: BAP1 tumor predisposition syndrome; Tumor susceptibility linked to germline BAP1 mutations; COMMON Syndrome; TUMOR PREDISPOSITION SYNDROME 1. Identifiers: Orphanet 289539, MedGen C3280492, MONDO:0013692, OMIM 614327.

Allele frequency attached by ClinVar (database versions not stated): ExAC 0.00001; gnomAD exomes 0.00001 and below 0.00001; TOPMed 0.00001; gnomAD 0.00001.
gnomAD v4.1: 5 of 1,613,650 alleles (0.00031%); highest among the groups gnomAD compares: East Asian, 0.0089%; no homozygotes.

Submissions (3):

Ambry Genetics
Classification: Likely benign for Hereditary cancer-predisposing syndrome. Last evaluated: 2026-04-09. Review status: criteria provided, single submitter. Criteria: Ambry Variant Classification Scheme 2023. Collection method: clinical testing. Allele origin: germline.

Color Diagnostics, LLC DBA Color Health
Classification: Uncertain significance for Hereditary cancer-predisposing syndrome. Last evaluated: 2025-07-24. Review status: criteria provided, single submitter. Criteria: ACMG Guidelines, 2015. Collection method: clinical testing. Allele origin: germline.
Comment: This synonymous variant causes a G>A nucleotide change in exon 10 of the BAP1 gene. Splice site prediction tools are inconclusive regarding the impact of this variant on RNA splicing. To our knowledge, RNA studies have not been reported for this variant. This variant has not been reported in individuals affected with BAP1-related disorders in the literature. This variant has been identified in 1/251082 chromosomes in the general population by the Genome Aggregation Database (gnomAD). The available evidence is insufficient to determine the role of this variant in disease conclusively. Therefore, this variant is classified as a Variant of Uncertain Significance.

Labcorp Genetics (formerly Invitae), Labcorp
Classification: Uncertain significance for BAP1-related tumor predisposition syndrome. Last evaluated: 2025-02-23. Review status: criteria provided, single submitter. Criteria: Invitae Variant Classification Sherloc (09022015). Collection method: clinical testing. Allele origin: germline.
Comment: This sequence change affects codon 417 of the BAP1 mRNA. It is a 'silent' change, meaning that it does not change the encoded amino acid sequence of the BAP1 protein. It affects a nucleotide within the consensus splice site. This variant is present in population databases (rs761544042, gnomAD 0.006%). This variant has not been reported in the literature in individuals affected with BAP1-related conditions. ClinVar contains an entry for this variant (Variation ID: 947125). RNA analysis performed to evaluate the impact of this variant on mRNA splicing indicates it does not significantly alter splicing (internal data). In summary, the available evidence is currently insufficient to determine the role of this variant in disease. Therefore, it has been classified as a Variant of Uncertain Significance.

Literature cited by the submitters: PubMed 38969833 (cited by Ambry Genetics).

NM_004656.4(BAP1):c.1251G>A (p.Arg417=)

Gene: BAP1 (BRCA1 associated deubiquitinase 1; minus strand). Cytogenetic location: 3p21.1.
Variant type: single nucleotide variant.
Coding change: c.1251G>A on transcript NM_004656.4 (MANE Select); coding-DNA position 1251, G replaced by A.
Protein change: p.Arg417=; no amino-acid change (arginine 417 retained).
Molecular consequence: synonymous variant.
Genome position (GRCh38, 1-based): chr3:52,403,894, C>T on the plus strand (G>A on the coding strand, the complement: BAP1 is on the minus strand). VCF-style: chr3-52403894-C-T. GRCh37 (hg19) VCF-style: chr3-52437910-C-T.
Other names: c.1251G>A (NM_004656.2).
Identifiers: ClinVar variation 947125 (VCV000947125.12), dbSNP rs761544042, ClinGen allele CA2436841.